The following is an entry in ClinVar:

ClinVar aggregate classification (germline): Uncertain significance. Review status: criteria provided, multiple submitters, no conflicts (2 of 4 stars). 3 submissions from 3 submitters: Uncertain significance (3). Last evaluated 2022-10-06.

Conditions:
Immunodeficiency 51 (IMD51). Also called: CANDIDIASIS, FAMILIAL, 5. Identifiers: Orphanet 1334, MedGen C4310803, MONDO:0013500, OMIM 613953.

Allele frequency attached by ClinVar (database versions not stated): gnomAD 0.00003 and 0.00004; TOPMed 0.00003; ExAC 0.00006.
gnomAD v4.1: 50 of 1,612,796 alleles (0.0031%); highest among the groups gnomAD compares: Non-Finnish European, 0.0039%; no homozygotes.

Submissions (3):

Ambry Genetics
Classification: Uncertain significance. Last evaluated: 2022-10-06. Review status: criteria provided, single submitter. Criteria: Ambry Variant Classification Scheme 2023. Collection method: clinical testing. Allele origin: germline.

Labcorp Genetics (formerly Invitae), Labcorp
Classification: Uncertain significance for Immunodeficiency 51. Last evaluated: 2022-06-20. Review status: criteria provided, single submitter. Criteria: Invitae Variant Classification Sherloc (09022015). Collection method: clinical testing. Allele origin: germline.
Comment: This sequence change replaces serine, which is neutral and polar, with leucine, which is neutral and non-polar, at codon 726 of the IL17RA protein (p.Ser726Leu). This variant is present in population databases (rs756332306, gnomAD 0.01%). This variant has not been reported in the literature in individuals affected with IL17RA-related conditions. ClinVar contains an entry for this variant (Variation ID: 340609). Algorithms developed to predict the effect of missense changes on protein structure and function output the following: SIFT: "Tolerated"; PolyPhen-2: "Benign"; Align-GVGD: "Class C0". The leucine amino acid residue is found in multiple mammalian species, which suggests that this missense change does not adversely affect protein function. In summary, the available evidence is currently insufficient to determine the role of this variant in disease. Therefore, it has been classified as a Variant of Uncertain Significance.

Illumina Laboratory Services, Illumina
Classification: Uncertain significance for Immunodeficiency 51. Last evaluated: 2018-01-13. Review status: criteria provided, single submitter. Criteria: ICSL Variant Classification Criteria 13 December 2019. Collection method: clinical testing. Allele origin: germline.

NM_014339.7(IL17RA):c.2177C>T (p.Ser726Leu)

Gene: IL17RA (interleukin 17 receptor A; plus strand). Cytogenetic location: 22q11.1.
Variant type: single nucleotide variant.
Coding change: c.2177C>T on transcript NM_014339.7 (MANE Select); coding-DNA position 2177, C replaced by T.
Protein change: p.Ser726Leu; replaces serine 726 with leucine.
Molecular consequence: missense variant.
Genome position (GRCh38, 1-based): chr22:17,109,396, C>T. VCF-style: chr22-17109396-C-T. GRCh37 (hg19) VCF-style: chr22-17590286-C-T.
Other names: c.2075C>T, p.Ser692Leu (NM_001289905.2); c.2177C>T (NM_014339.5); short protein forms S726L, S692L.
Identifiers: ClinVar variation 340609 (VCV000340609.8), dbSNP rs756332306, ClinGen allele CA10086928.